The following is an entry in ClinVar:

ClinVar aggregate classification (germline): Likely benign (0 of 4 stars; one submission).

Conditions:
KATNIP-related disorder. Also called: KATNIP-related condition.

Submission:

PreventionGenetics, part of Exact Sciences
Classification: Likely benign for KATNIP-related condition. Last evaluated: 2020-10-19. Review status: no assertion criteria provided. Collection method: clinical testing. Allele origin: germline.
Comment: This variant is classified as likely benign based on ACMG/AMP sequence variant interpretation guidelines (Richards et al. 2015 PMID: 25741868, with internal and published modifications).

NM_015202.5(KATNIP):c.420G>A (p.Gln140=)

Gene: KATNIP (katanin interacting protein; plus strand). Cytogenetic location: 16p12.1.
Variant type: single nucleotide variant.
Coding change: c.420G>A on transcript NM_015202.5 (MANE Select); coding-DNA position 420, G replaced by A.
Protein change: p.Gln140=; no amino-acid change (glutamine 140 retained).
Molecular consequence: synonymous variant.
Genome position (GRCh38, 1-based): chr16:27,648,615, G>A. VCF-style: chr16-27648615-G-A. GRCh37 (hg19) VCF-style: chr16-27659936-G-A.
Identifiers: ClinVar variation 3031899 (VCV003031899.2), dbSNP rs2544468649, ClinGen allele CA494258271.
Genomic context (GRCh38, chr16:27,648,615, plus strand): 5'-ATGAAGACCTCATTCCACCTTATCTGAAATGGCCTGCATTTTTGTACAGAAATCTGTGCA[G>A]ATCAGAACAGAAGCTGGCCCACGGCTCCACATCGAACCTCCTGTGGACTATTCTGATGAT-3'
Protein context (NP_056017.4, residues 130-150): QRRGWHQKSV[Gln140=]IRTEAGPRLH